The following is an entry in ClinVar:

NM_000069.3(CACNA1S):c.-2C>T

Gene: CACNA1S (calcium voltage-gated channel subunit alpha1 S; minus strand). Cytogenetic location: 1q32.1.
Variant type: single nucleotide variant.
Coding change: c.-2C>T on transcript NM_000069.3 (MANE Select); 2 bases upstream of the start codon, C replaced by T.
Molecular consequence: 5 prime UTR variant.
Genome position (GRCh38, 1-based): chr1:201,112,341, G>A on the plus strand (C>T on the coding strand, the complement: CACNA1S is on the minus strand). VCF-style: chr1-201112341-G-A. GRCh37 (hg19) VCF-style: chr1-201081469-G-A.
Identifiers: ClinVar variation 4756871 (VCV004756871.1).

ClinVar aggregate classification (germline): Uncertain significance (1 of 4 stars; one submission).

Conditions:
Malignant hyperthermia, susceptibility to, 5 (MHS5). Also called: CACNA1S-Related Malignant Hyperthermia Susceptibility. Identifiers: Orphanet 423, MedGen C1866077, MONDO:0011163, OMIM 601887.

gnomAD v4.1: 3 of 1,612,134 alleles (0.00019%); highest among the groups gnomAD compares: Admixed American, 0.0033%; no homozygotes.

Submission:

Color Diagnostics, LLC DBA Color Health
Classification: Uncertain significance for Malignant hyperthermia, susceptibility to, 5. Last evaluated: 2025-06-09. Review status: criteria provided, single submitter. Criteria: ACMG Guidelines, 2015. Collection method: clinical testing. Allele origin: germline.
Comment: This variant is located in the 5' untranslated region of the CACNA1S gene. To our knowledge, functional studies have not been reported for this variant. This variant has not been reported in individuals affected with CACNA1S-related disorders in the literature. This variant has been identified in 1/251404 chromosomes in the general population by the Genome Aggregation Database (gnomAD). The available evidence is insufficient to determine the role of this variant in disease conclusively. Therefore, this variant is classified as a Variant of Uncertain Significance.